The following is an entry in ClinVar:

NM_001182.5(ALDH7A1):c.259G>C (p.Asp87His)

Gene: ALDH7A1 (aldehyde dehydrogenase 7 family member A1; minus strand). Cytogenetic location: 5q23.2.
Variant type: single nucleotide variant.
Coding change: c.259G>C on transcript NM_001182.5 (MANE Select); coding-DNA position 259, G replaced by C.
Protein change: p.Asp87His; replaces aspartic acid 87 with histidine.
Molecular consequence: missense variant.
Genome position (GRCh38, 1-based): chr5:126,592,717, C>G on the plus strand (G>C on the coding strand, the complement: ALDH7A1 is on the minus strand). VCF-style: chr5-126592717-C-G. GRCh37 (hg19) VCF-style: chr5-125928409-C-G.
Other names: c.175G>C, p.Asp59His (NM_001201377.2); c.259G>C, p.Asp87His (NM_001202404.2); short protein forms D59H, D87H.
Identifiers: ClinVar variation 842000 (VCV000842000.7), dbSNP rs1197981680, ClinGen allele CA360733188.

ClinVar aggregate classification (germline): Uncertain significance (1 of 4 stars; one submission).

Conditions:
Pyridoxine-dependent epilepsy (EPEO4). Also called: Pyridoxine-Dependent Epilepsy - ALDH7A1; EPILEPSY, EARLY-ONSET, 4, VITAMIN B6-DEPENDENT; PYRIDOXINE DEPENDENCY WITH SEIZURES; Pyridoxine-Dependent Seizures. Identifiers: Orphanet 3006, MedGen C1849508, MONDO:0009945, OMIM 266100. Disease mechanism: loss of function.

Allele frequency attached by ClinVar (database versions not stated): gnomAD exomes below 0.00001; gnomAD 0.00001; TOPMed 0.00001.
gnomAD v4.1: 4 of 1,613,856 alleles (0.00025%); highest among the groups gnomAD compares: Non-Finnish European, 0.00034%; no homozygotes.

Submission:

Labcorp Genetics (formerly Invitae), Labcorp
Classification: Uncertain significance for Pyridoxine-dependent epilepsy. Last evaluated: 2022-08-09. Review status: criteria provided, single submitter. Criteria: Invitae Variant Classification Sherloc (09022015). Collection method: clinical testing. Allele origin: germline.
Comment: This sequence change replaces aspartic acid, which is acidic and polar, with histidine, which is basic and polar, at codon 87 of the ALDH7A1 protein (p.Asp87His). This variant is not present in population databases (gnomAD no frequency). This variant has not been reported in the literature in individuals affected with ALDH7A1-related conditions. ClinVar contains an entry for this variant (Variation ID: 842000). Advanced modeling of protein sequence and biophysical properties (such as structural, functional, and spatial information, amino acid conservation, physicochemical variation, residue mobility, and thermodynamic stability) performed at Invitae indicates that this missense variant is expected to disrupt ALDH7A1 protein function. In summary, the available evidence is currently insufficient to determine the role of this variant in disease. Therefore, it has been classified as a Variant of Uncertain Significance.